The following is an entry in ClinVar:

NM_201384.3(PLEC):c.9013C>T (p.Arg3005Cys)

Gene: PLEC (plectin; minus strand). Cytogenetic location: 8q24.3.
Variant type: single nucleotide variant.
Coding change: c.9013C>T on transcript NM_201384.3 (MANE Select); coding-DNA position 9013, C replaced by T.
Protein change: p.Arg3005Cys; replaces arginine 3005 with cysteine.
Molecular consequence: missense variant.
Genome position (GRCh38, 1-based): chr8:143,920,808, G>A on the plus strand (C>T on the coding strand, the complement: PLEC is on the minus strand). VCF-style: chr8-143920808-G-A. GRCh37 (hg19) VCF-style: chr8-144994976-G-A.
Other names: c.9094C>T, p.Arg3032Cys (NM_000445.5); c.8971C>T, p.Arg2991Cys (NM_201378.4); c.8947C>T, p.Arg2983Cys (NM_201379.3); c.9424C>T, p.Arg3142Cys (NM_201380.4); c.8917C>T, p.Arg2973Cys (NM_201381.3); c.9013C>T, p.Arg3005Cys (NM_201382.4); c.9025C>T, p.Arg3009Cys (NM_201383.3); c.9094C>T (NM_000445.3); short protein forms R2973C, R2983C, R2991C, R3005C, R3009C, R3032C, R3142C.
Identifiers: ClinVar variation 500801 (VCV000500801.7), dbSNP rs373714281, ClinGen allele CA4925108.
Genomic context (GRCh38, chr8:143,920,808, plus strand): 5'-CGTTGGCACCCCGGAGAGCCCGCCGCACAGTGTCCACCTCGGCTACGTCTCGCACAGAGC[G>A]CTCACCTCGCTGCAGCTGCTGGTAGAGCTCGCGGTCGATGACCCTGCTCTCCAGCAGCTC-3'
Protein context (NP_958786.1, residues 2995-3015): ELYQQLQRGE[Arg3005Cys]SVRDVAEVDT

ClinVar aggregate classification (germline): Uncertain significance. Review status: criteria provided, multiple submitters, no conflicts (2 of 4 stars). 3 submissions from 3 submitters: Uncertain significance (3). Last evaluated 2026-02-01.

Conditions:
Epidermolysis bullosa simplex 5B, with muscular dystrophy (EBS5B). Also called: EPIDERMOLYSIS BULLOSA SIMPLEX AND LIMB-GIRDLE MUSCULAR DYSTROPHY; Epidermolysis bullosa simplex with muscular dystrophy. Identifiers: Orphanet 257, MedGen C2931072, MONDO:0009181, OMIM 226670.
Epidermolysis bullosa simplex, Ogna type (EBS5A). Also called: Pidermolysis bullosa simplex 5A, Ogna type; EPIDERMOLYSIS BULLOSA SIMPLEX 5A, OGNA TYPE. Identifiers: Orphanet 79401, MedGen C0432317, MONDO:0007555, OMIM 131950.
Autosomal recessive limb-girdle muscular dystrophy type 2Q (LGMDR17). Also called: MUSCULAR DYSTROPHY, LIMB-GIRDLE, AUTOSOMAL RECESSIVE 17. Identifiers: Orphanet 254361, MedGen C3150989, MONDO:0013390, OMIM 613723.
Epidermolysis bullosa simplex 5C, with pyloric atresia (EBS5C). Also called: Epidermolysis bullosa simplex with pyloric atresia; PLEC1-Related Epidermolysis Bullosa with Pyloric Atresia; PLEC-Related Epidermolysis Bullosa with Pyloric Atresia. Identifiers: Orphanet 158684, MedGen C2677349, MONDO:0012807, OMIM 612138.
Epidermolysis bullosa simplex with nail dystrophy (EBS5D). Identifiers: MedGen C4225309, MONDO:0014661, OMIM 616487.
Inborn genetic diseases. Identifiers: MedGen C0950123, MeSH D030342.

Allele frequency attached by ClinVar (database versions not stated): gnomAD exomes 0.00002; ExAC 0.00003; TOPMed 0.00003; ESP Exome Variant Server 0.00008.
gnomAD v4.1: 21 of 1,607,750 alleles (0.0013%); highest among the groups gnomAD compares: African/African-American, 0.0093%; no homozygotes.

Submissions (3):

Labcorp Genetics (formerly Invitae), Labcorp
Classification: Uncertain significance for Autosomal recessive limb-girdle muscular dystrophy type 2Q; Epidermolysis bullosa simplex, Ogna type; Epidermolysis bullosa simplex with nail dystrophy; Epidermolysis bullosa simplex 5C, with pyloric atresia; Epidermolysis bullosa simplex 5B, with muscular dystrophy. Last evaluated: 2026-02-01. Review status: criteria provided, single submitter. Criteria: Invitae Variant Classification Sherloc (09022015). Collection method: clinical testing. Allele origin: germline.
Comment: This sequence change replaces arginine, which is basic and polar, with cysteine, which is neutral and slightly polar, at codon 3032 of the PLEC protein (p.Arg3032Cys). This variant is present in population databases (rs373714281, gnomAD 0.01%). This variant has not been reported in the literature in individuals affected with PLEC-related conditions. ClinVar contains an entry for this variant (Variation ID: 500801). Invitae Evidence Modeling of protein sequence and biophysical properties (such as structural, functional, and spatial information, amino acid conservation, physicochemical variation, residue mobility, and thermodynamic stability) indicates that this missense variant is not expected to disrupt PLEC protein function with a negative predictive value of 80%. In summary, the available evidence is currently insufficient to determine the role of this variant in disease. Therefore, it has been classified as a Variant of Uncertain Significance.

Ambry Genetics
Classification: Uncertain significance for Inborn genetic diseases. Last evaluated: 2025-07-02. Review status: criteria provided, single submitter. Criteria: Ambry Variant Classification Scheme 2023. Collection method: clinical testing. Allele origin: germline.

Eurofins Ntd Llc (ga)
Classification: Uncertain significance. Last evaluated: 2017-03-13. Review status: criteria provided, single submitter. Criteria: EGL Classification Definitions 2015. Collection method: clinical testing. Allele origin: germline. Observed: 1 variant allele, 1 heterozygote.